The following is an entry in ClinVar:

ClinVar aggregate classification (germline): Uncertain significance. Review status: criteria provided, multiple submitters, no conflicts (2 of 4 stars). 2 submissions from 2 submitters: Uncertain significance (2). Last evaluated 2025-02-06.

Conditions:
Charcot-Marie-Tooth disease axonal type 2F (CMT2F). Also called: Charcot-Marie-Tooth Neuropathy Type 2F; CHARCOT-MARIE-TOOTH DISEASE, NEURONAL, TYPE 2F. Identifiers: Orphanet 99940, MedGen C1847823, MONDO:0011687, OMIM 606595.

Submissions (2):

Labcorp Genetics (formerly Invitae), Labcorp
Classification: Uncertain significance for Charcot-Marie-Tooth disease axonal type 2F. Last evaluated: 2025-02-06. Review status: criteria provided, single submitter. Criteria: Invitae Variant Classification Sherloc (09022015). Collection method: clinical testing. Allele origin: germline.
Comment: This sequence change replaces serine, which is neutral and polar, with asparagine, which is neutral and polar, at codon 83 of the HSPB1 protein (p.Ser83Asn). Information on the frequency of this variant in the gnomAD database is not available, as this variant may be reported differently in the database. This missense change has been observed in individual(s) with clinical features of HSPB1-related conditions (PMID: 25614874). ClinVar contains an entry for this variant (Variation ID: 618680). An algorithm developed to predict the effect of missense changes on protein structure and function (PolyPhen-2) suggests that this variant is likely to be tolerated. In summary, the available evidence is currently insufficient to determine the role of this variant in disease. Therefore, it has been classified as a Variant of Uncertain Significance.

Athena Diagnostics
Classification: Uncertain significance. Last evaluated: 2019-02-18. Review status: criteria provided, single submitter. Criteria: Athena Diagnostics Criteria. Collection method: clinical testing. Allele origin: germline.

Literature cited by the submitters: PubMed 25614874 (cited by Labcorp Genetics (formerly Invitae), Labcorp and Athena Diagnostics).

NM_001540.5(HSPB1):c.248_249delinsAT (p.Ser83Asn)

Gene: HSPB1 (heat shock protein family B (small) member 1; plus strand). Cytogenetic location: 7q11.23.
Variant type: Indel.
Coding change: c.248_249delinsAT on transcript NM_001540.5 (MANE Select); coding-DNA positions 248 to 249, GC replaced by AT.
Protein change: p.Ser83Asn; replaces serine 83 with asparagine.
Molecular consequence: missense variant.
Genome position (GRCh38, 1-based): chr7:76,302,960-76,302,961, GC replaced by AT. VCF-style: chr7-76302960-GC-AT. GRCh37 (hg19) VCF-style: chr7-75932277-GC-AT.
Other names: c.248_249delGCinsAT (LRG_248t1); c.248_249delinsAT (NM_001540.3); short protein forms S83N.
Identifiers: ClinVar variation 618680 (VCV000618680.13), dbSNP rs1563651975, ClinGen allele CA913189605.